The following is an entry in ClinVar:

NM_000535.7(PMS2):c.708G>T (p.Leu236Phe)

Gene: PMS2 (PMS1 homolog 2, mismatch repair system component; minus strand). Cytogenetic location: 7p22.1.
Variant type: single nucleotide variant.
Coding change: c.708G>T on transcript NM_000535.7 (MANE Select); coding-DNA position 708, G replaced by T.
Protein change: p.Leu236Phe; replaces leucine 236 with phenylalanine.
Molecular consequence: missense variant. On other transcripts: 5 prime UTR variant (2), non-coding transcript variant (1).
Genome position (GRCh38, 1-based): chr7:5,997,421, C>A on the plus strand (G>T on the coding strand, the complement: PMS2 is on the minus strand). VCF-style: chr7-5997421-C-A. GRCh37 (hg19) VCF-style: chr7-6037052-C-A.
Other names: c.303G>T, p.Leu101Phe (NM_001322003.2, NM_001322004.2, NM_001322005.2 and 2 more transcripts); c.708G>T, p.Leu236Phe (NM_001322006.2, NM_001322014.2); c.390G>T, p.Leu130Phe (NM_001322007.2, NM_001322008.2); c.-226G>T (NM_001322011.2, NM_001322012.2); c.135G>T, p.Leu45Phe (NM_001322013.2); c.399G>T, p.Leu133Phe (NM_001322015.2); short protein forms L236F, L101F, L130F, L45F, L133F.
Identifiers: ClinVar variation 41718 (VCV000041718.32), dbSNP rs201395630, ClinGen allele CA012634.

ClinVar aggregate classification (germline): Conflicting classifications of pathogenicity. Review status: criteria provided, conflicting classifications (1 of 4 stars). 12 submissions from 12 submitters: Uncertain significance (7); Likely benign (3). 2 of the submissions do not count toward it. Last evaluated 2025-11-20.

Conditions:
Lynch syndrome 4 (LYNCH4). Also called: Colorectal cancer, hereditary nonpolyposis, type 4; Hereditary non-polyposis colorectal cancer, type 4. Identifiers: Orphanet 144, MedGen C1838333, MONDO:0013699, OMIM 614337. Disease mechanism: loss of function.
Mismatch repair cancer syndrome 4. Identifiers: MedGen C5436817, MONDO:0030843, OMIM 619101.
PMS2-related disorder. Also called: PMS2-related condition.
Hereditary nonpolyposis colorectal neoplasms. Identifiers: MedGen C0009405, MeSH D003123.
Hereditary cancer-predisposing syndrome. Also called: Hereditary neoplastic syndrome; Tumor predisposition; Hereditary Cancer Syndrome; Neoplastic Syndromes, Hereditary. Identifiers: Orphanet 140162, MedGen C0027672, MeSH D009386, MONDO:0015356.

Allele frequency attached by ClinVar (database versions not stated): ExAC 0.00002; gnomAD 0.00012.

Submissions (13):

Labcorp Genetics (formerly Invitae), Labcorp
Classification: Likely benign for Hereditary nonpolyposis colorectal neoplasms. Last evaluated: 2025-11-20. Review status: criteria provided, single submitter. Criteria: Invitae Variant Classification Sherloc (09022015). Collection method: clinical testing. Allele origin: germline.

PreventionGenetics, part of Exact Sciences
Classification: Uncertain significance for PMS2-related condition. Last evaluated: 2025-09-23. Review status: criteria provided, single submitter. Criteria: ACMG Guidelines, 2015. Collection method: clinical testing. Allele origin: germline.
Comment: The PMS2 c.708G>T variant is predicted to result in the amino acid substitution p.Leu236Phe. This variant was reported in an individual with breast cancer and melanoma with a family history of cancer, but was also in an individual without cancer with no family history of cancer (Table S4, Bhai et al. 2021. PubMed ID: 34326862). This variant was also reported as uncertain in a large Icelandic study (Table S16, Jensson et al. 2023. PubMed ID: 37937776), and was identified in one individual with an atherosclerosis phenotype who underwent exome sequencing (Table S1, Johnston et al. 2012. PubMed ID: 22703879). This variant is reported in 0.013% of alleles in individuals of Ashkenazi Jewish descent in gnomAD and has conflicting interpretations regarding its pathogenicity in ClinVar, ranging from likely benign to uncertain (Variation ID: 41718). Although we suspect that this variant may be benign, at this time, the clinical significance of this variant is uncertain due to the absence of conclusive functional and genetic evidence.

Fulgent Genetics
Classification: Uncertain significance for Lynch syndrome 4; Mismatch repair cancer syndrome 4. Last evaluated: 2024-04-22. Review status: criteria provided, single submitter. Criteria: ACMG Guidelines, 2015. Collection method: clinical testing. Allele origin: germline.

Baylor Genetics
Classification: Uncertain significance for Lynch syndrome 4. Last evaluated: 2024-03-06. Review status: criteria provided, single submitter. Criteria: ACMG Guidelines, 2015. Collection method: clinical testing. Allele origin: unknown.

GeneDx
Classification: Uncertain significance. Last evaluated: 2023-05-12. Review status: criteria provided, single submitter. Criteria: GeneDx Variant Classification Process June 2021. Collection method: clinical testing. Allele origin: germline. Affected: yes.
Comment: Not observed at significant frequency in large population cohorts (gnomAD); In silico analysis supports that this missense variant has a deleterious effect on protein structure/function; Observed in an individual with kidney cancer and in an individual with cancer evaluated with MSI and IHC (Yehia et al., 2018; Li et al., 2020); This variant is associated with the following publications: (PMID: 22703879, 28569743, 29684080, 29570743, 32277576, 31391288, 11574484, 27600092)

Ambry Genetics
Classification: Likely benign for Hereditary cancer-predisposing syndrome. Last evaluated: 2023-04-24. Review status: criteria provided, single submitter. Criteria: Ambry Variant Classification Scheme 2023. Collection method: clinical testing. Allele origin: germline.

Myriad Genetics, Inc.
Classification: Uncertain significance for Lynch syndrome 4. Last evaluated: 2023-04-05. Review status: criteria provided, single submitter. Criteria: Myriad Autosomal Dominant, Autosomal Recessive and X-Linked Classification Criteria (2023). Collection method: clinical testing. Allele origin: unknown.
Comment: This variant is classified as a variant of uncertain significance as there is insufficient evidence to determine its impact on protein function and/or cancer risk.

Women's Health and Genetics/Laboratory Corporation of America, LabCorp
Classification: Uncertain significance. Last evaluated: 2022-09-16. Review status: criteria provided, single submitter. Criteria: LabCorp Variant Classification Summary - May 2015. Collection method: clinical testing. Allele origin: germline.
Comment: Variant summary: PMS2 c.708G>T (p.Leu236Phe) results in a non-conservative amino acid change located in the DNA mismatch repair protein family, N-terminal domain (IPR002099) of the encoded protein sequence. Three of five in-silico tools predict a damaging effect of the variant on protein function. The variant allele was found at a frequency of 4.3e-05 in 184566 control chromosomes. The available data on variant occurrences in the general population are insufficient to allow any conclusion about variant significance. c.708G>T has been reported in the literature in individuals affected with Hereditary Nonpolyposis Colorectal Cancer or other type of cancer. These reports do not provide unequivocal conclusions about association of the variant with Hereditary Nonpolyposis Colorectal Cancer. To our knowledge, no experimental evidence demonstrating an impact on protein function has been reported. Six clinical diagnostic laboratories have submitted clinical-significance assessments for this variant to ClinVar after 2014 without evidence for independent evaluation (likely benign n=1, VUS n=5). Based on the evidence outlined above, the variant was classified as uncertain significance.

Mendelics
Classification: Uncertain significance for Lynch syndrome 4. Last evaluated: 2019-05-28. Review status: criteria provided, single submitter. Criteria: Mendelics Assertion Criteria 2017. Collection method: clinical testing. Allele origin: unknown.

Color Diagnostics, LLC DBA Color Health
Classification: Likely benign for Hereditary cancer-predisposing syndrome. Last evaluated: 2016-01-15. Review status: criteria provided, single submitter. Criteria: ACMG Guidelines, 2015. Collection method: clinical testing. Allele origin: germline.

Counsyl
Classification: Uncertain significance for Lynch syndrome 4. Last evaluated: 2016-10-18. Review status: no assertion criteria provided. Collection method: clinical testing. Allele origin: unknown. Not counted in ClinVar's aggregate classification.

Biesecker Lab/Clinical Genomics Section, National Institutes of Health
Classification: Uncertain significance. Last evaluated: 2012-07-13. Review status: no assertion criteria provided. Collection method: research. Allele origin: germline. Affected: no. Observed: 1 variant allele. Study: ClinSeq. Not counted in ClinVar's aggregate classification.
ClinVar note: Converted during submission from variant of unknown significance to Uncertain significance.

Dr. Peter K. Rogan Lab, Western University
No classification provided (evidence only). Condition: Clear cell carcinoma of kidney. Review status: no classification provided. Collection method: in vitro. Allele origin: not applicable. Functional consequence: retained intron. Not counted in ClinVar's aggregate classification.

Literature cited by the submitters: PubMed 27600092 (cited by Women's Health and Genetics/Laboratory Corporation of America, LabCorp); PubMed 29570743 (cited by Women's Health and Genetics/Laboratory Corporation of America, LabCorp); PubMed 31391288 (cited by Women's Health and Genetics/Laboratory Corporation of America, LabCorp).